The following is an entry in ClinVar:

NM_004329.3(BMPR1A):c.1165A>T (p.Ser389Cys)

Gene: BMPR1A (bone morphogenetic protein receptor type 1A; plus strand). Cytogenetic location: 10q23.2.
Variant type: single nucleotide variant.
Coding change: c.1165A>T on transcript NM_004329.3 (MANE Select); coding-DNA position 1165, A replaced by T.
Protein change: p.Ser389Cys; replaces serine 389 with cysteine.
Molecular consequence: missense variant.
Genome position (GRCh38, 1-based): chr10:86,919,468, A>T. VCF-style: chr10-86919468-A-T. GRCh37 (hg19) VCF-style: chr10-88679225-A-T.
Other names: short protein forms S389C.
Identifiers: ClinVar variation 822263 (VCV000822263.6), dbSNP rs1589291828, ClinGen allele CA377461353.

ClinVar aggregate classification (germline): Uncertain significance. Review status: criteria provided, multiple submitters, no conflicts (2 of 4 stars). 2 submissions from 2 submitters: Uncertain significance (2). Last evaluated 2025-09-09.

Conditions:
Hereditary cancer-predisposing syndrome. Also called: Tumor predisposition; Hereditary Cancer Syndrome; Neoplastic Syndromes, Hereditary; Hereditary neoplastic syndrome. Identifiers: Orphanet 140162, MedGen C0027672, MeSH D009386, MONDO:0015356.

Submissions (2):

Ambry Genetics
Classification: Uncertain significance for Hereditary cancer-predisposing syndrome. Last evaluated: 2025-09-09. Review status: criteria provided, single submitter. Criteria: Ambry Variant Classification Scheme 2023. Collection method: clinical testing. Allele origin: germline.
Comment: The p.S389C variant (also known as c.1165A>T), located in coding exon 8 of the BMPR1A gene, results from an A to T substitution at nucleotide position 1165. The serine at codon 389 is replaced by cysteine, an amino acid with dissimilar properties. This amino acid position is highly conserved in available vertebrate species. Using the BDGP and ESEfinder splice site prediction tools, this alteration is predicted to weaken the efficiency of the native splice donor site; however, direct evidence is unavailable. In addition, this alteration is predicted to be deleterious by in silico analysis. Since supporting evidence is limited at this time, the clinical significance of this alteration remains unclear.

GeneDx
Classification: Uncertain significance. Last evaluated: 2023-01-06. Review status: criteria provided, single submitter. Criteria: GeneDx Variant Classification Process June 2021. Collection method: clinical testing. Allele origin: germline. Affected: yes.
Comment: Not observed at significant frequency in large population cohorts (gnomAD); In silico analysis supports that this missense variant has a deleterious effect on protein structure/function; Has not been previously published as pathogenic or benign to our knowledge